The following is an entry in ClinVar:

NM_004364.5(CEBPA):c.388G>A (p.Gly130Ser)

Gene: CEBPA (CCAAT enhancer binding protein alpha; minus strand). Cytogenetic location: 19q13.11.
Variant type: single nucleotide variant.
Coding change: c.388G>A on transcript NM_004364.5 (MANE Select); coding-DNA position 388, G replaced by A.
Protein change: p.Gly130Ser; replaces glycine 130 with serine.
Molecular consequence: missense variant.
Genome position (GRCh38, 1-based): chr19:33,302,027, C>T on the plus strand (G>A on the coding strand, the complement: CEBPA is on the minus strand). VCF-style: chr19-33302027-C-T. GRCh37 (hg19) VCF-style: chr19-33792933-C-T.
Other names: c.31G>A, p.Gly11Ser (NM_001285829.2); c.493G>A, p.Gly165Ser (NM_001287424.2); c.346G>A, p.Gly116Ser (NM_001287435.2); short protein forms G130S, G116S, G11S, G165S.
Identifiers: ClinVar variation 408755 (VCV000408755.23), dbSNP rs919904139, ClinGen allele CA16616262.
Genomic context (GRCh38, chr19:33,302,027, plus strand): 5'-CGCGCTCGTACAGGGGCTCCAGCCTGCCGTCCAGGTAGCCGGCGGCCGCGCAGCCGTAGC[C>T]GGGCGGGGGCCCGTGCGCTCCCCCGGGCATGACGGCGCCGCCGGGGCCCGCGGGCGCGCC-3'
Protein context (NP_004355.2, residues 120-140): MPGGAHGPPP[Gly130Ser]YGCAAAGYLD

ClinVar aggregate classification (germline): Conflicting classifications of pathogenicity. Review status: criteria provided, conflicting classifications (1 of 4 stars). 6 submissions from 6 submitters: Uncertain significance (4); Likely benign (1). 1 of the submissions does not count toward it. Last evaluated 2025-12-30.

Conditions:
Inborn genetic diseases. Identifiers: MedGen C0950123, MeSH D030342.
Acute myeloid leukemia (AML). Also called: Leukemia, acute myeloid, somatic; Leukemia, acute myelogenous, somatic; Acute myeloid leukemia, adult; AML adult; Acute non-lymphocytic leukemia; Acute granulocytic leukemia. Identifiers: Orphanet 519, MedGen C0023467, MeSH D015470, MONDO:0018874, OMIM 601626, HP:0004808. Disease mechanism: Constitutively activated FLT3.
CEBPA-related disorder. Also called: CEBPA-related condition.

Allele frequency attached by ClinVar (database versions not stated): gnomAD exomes 0.00002; 1000 Genomes Project 30x 0.00016; gnomAD 0.00019 and 0.00021; TOPMed 0.00049.
gnomAD v4.1: 52 of 1,177,778 alleles (0.0044%); highest among the groups gnomAD compares: Admixed American, 0.16%; no homozygotes.

Submissions (6):

Labcorp Genetics (formerly Invitae), Labcorp
Classification: Uncertain significance for Acute myeloid leukemia. Last evaluated: 2025-12-30. Review status: criteria provided, single submitter. Criteria: Invitae Variant Classification Sherloc (09022015). Collection method: clinical testing. Allele origin: germline.
Comment: This sequence change replaces glycine, which is neutral and non-polar, with serine, which is neutral and polar, at codon 130 of the CEBPA protein (p.Gly130Ser). This variant is present in population databases (no rsID available, gnomAD 0.2%). This variant has not been reported in the literature in individuals affected with CEBPA-related conditions. ClinVar contains an entry for this variant (Variation ID: 408755). Invitae Evidence Modeling of protein sequence and biophysical properties (such as structural, functional, and spatial information, amino acid conservation, physicochemical variation, residue mobility, and thermodynamic stability) indicates that this missense variant is not expected to disrupt CEBPA protein function with a negative predictive value of 80%. In summary, the available evidence is currently insufficient to determine the role of this variant in disease. Therefore, it has been classified as a Variant of Uncertain Significance.

Ambry Genetics
Classification: Likely benign for Inborn genetic diseases. Last evaluated: 2024-10-18. Review status: criteria provided, single submitter. Criteria: Ambry Variant Classification Scheme 2023. Collection method: clinical testing. Allele origin: germline.

Baylor Genetics
Classification: Uncertain significance for Acute myeloid leukemia. Last evaluated: 2023-12-29. Review status: criteria provided, single submitter. Criteria: ACMG Guidelines, 2015. Collection method: clinical testing. Allele origin: unknown.

GeneDx
Classification: Uncertain significance. Last evaluated: 2023-12-11. Review status: criteria provided, single submitter. Criteria: GeneDx Variant Classification Process June 2021. Collection method: clinical testing. Allele origin: germline. Affected: yes.
Comment: In silico analysis supports that this missense variant does not alter protein structure/function; Has not been previously published as pathogenic or benign to our knowledge; This variant is associated with the following publications: (PMID: 21455213)

Genetic Services Laboratory, University of Chicago
Classification: Uncertain significance. Last evaluated: 2018-07-30. Review status: criteria provided, single submitter. Criteria: ACMG Guidelines, 2015. Collection method: clinical testing. Allele origin: germline. Affected: no.

PreventionGenetics, part of Exact Sciences
Classification: Likely benign for CEBPA-related condition. Last evaluated: 2024-08-17. Review status: no assertion criteria provided. Collection method: clinical testing. Allele origin: germline. Not counted in ClinVar's aggregate classification.
Comment: This variant is classified as likely benign based on ACMG/AMP sequence variant interpretation guidelines (Richards et al. 2015 PMID: 25741868, with internal and published modifications).